The following is an entry in ClinVar:

NM_000182.5(HADHA):c.2146+9C>T

Genes: GAREM2 (GRB2 associated regulator of MAPK1 subtype 2; plus strand), HADHA (hydroxyacyl-CoA dehydrogenase trifunctional multienzyme complex subunit alpha; minus strand). Cytogenetic location: 2p23.3.
Variant type: single nucleotide variant.
Coding change: c.2146+9C>T on transcript NM_000182.5 (MANE Select); 9 bases into the intron after coding-DNA position 2146, C replaced by T.
Molecular consequence: intron variant.
Genome position (GRCh38, 1-based): chr2:26,191,474, G>A on the plus strand (C>T on the coding strand, the complement: HADHA is on the minus strand). VCF-style: chr2-26191474-G-A. GRCh37 (hg19) VCF-style: chr2-26414343-G-A.
Other names: c.2146+9C>T (NM_000182.4).
Identifiers: ClinVar variation 1153651 (VCV001153651.10), dbSNP rs776491880, ClinGen allele CA1559364.

ClinVar aggregate classification (germline): Likely benign. Review status: criteria provided, multiple submitters, no conflicts (2 of 4 stars). 2 submissions from 2 submitters: Likely benign (2). Last evaluated 2025-12-05.

Conditions:
Long chain 3-hydroxyacyl-CoA dehydrogenase deficiency. Also called: Deficiency of long-chain 3-hydroxyacyl-coenzyme A dehydrogenase; LCHAD Deficiency. Identifiers: Orphanet 5, MedGen C3711645, MONDO:0012173, OMIM 609016.
Mitochondrial trifunctional protein deficiency. Identifiers: Orphanet 746, MedGen C1969443, MONDO:0012172.
HADHA-related disorder. Also called: HADHA-related condition; HADHA-related disorders.

Allele frequency attached by ClinVar (database versions not stated): gnomAD exomes below 0.00001; ExAC 0.00001; gnomAD 0.00001; TOPMed 0.00001.
gnomAD v4.1: 7 of 1,614,010 alleles (0.00043%); highest among the groups gnomAD compares: East Asian, 0.0045%; no homozygotes.

Submissions (2):

PreventionGenetics, part of Exact Sciences
Classification: Likely benign for HADHA-related condition. Last evaluated: 2025-12-05. Review status: criteria provided, single submitter. Criteria: ACMG Guidelines, 2015. Collection method: clinical testing. Allele origin: germline.
Comment: This variant is classified as likely benign based on ACMG/AMP sequence variant interpretation guidelines (Richards et al. 2015 PMID: 25741868, with internal and published modifications).

Labcorp Genetics (formerly Invitae), Labcorp
Classification: Likely benign for Mitochondrial trifunctional protein deficiency; Long chain 3-hydroxyacyl-CoA dehydrogenase deficiency. Last evaluated: 2024-02-16. Review status: criteria provided, single submitter. Criteria: Invitae Variant Classification Sherloc (09022015). Collection method: clinical testing. Allele origin: germline.